The following is an entry in ClinVar:

NM_014053.4(FLVCR1):c.1624C>T (p.Pro542Ser)

Gene: FLVCR1 (FLVCR choline and heme transporter 1; plus strand). Cytogenetic location: 1q32.3.
Variant type: single nucleotide variant.
Coding change: c.1624C>T on transcript NM_014053.4 (MANE Select); coding-DNA position 1624, C replaced by T.
Protein change: p.Pro542Ser; replaces proline 542 with serine.
Molecular consequence: missense variant.
Genome position (GRCh38, 1-based): chr1:212,895,246, C>T. VCF-style: chr1-212895246-C-T. GRCh37 (hg19) VCF-style: chr1-213068588-C-T.
Other names: short protein forms P542S.
Identifiers: ClinVar variation 585878 (VCV000585878.21), dbSNP rs141575859, ClinGen allele CA1386224.

ClinVar aggregate classification (germline): Benign/Likely benign. Review status: criteria provided, multiple submitters, no conflicts (2 of 4 stars). 5 submissions from 5 submitters: Benign (1); Likely benign (3). 1 of the submissions does not count toward it. Last evaluated 2026-01-26.

Conditions:
FLVCR1-related disorder. Also called: FLVCR1-related condition.

Allele frequency attached by ClinVar (database versions not stated): ExAC 0.00026; gnomAD 0.00110 and 0.00117; TOPMed 0.00114; ESP Exome Variant Server 0.00115; 1000 Genomes Project 0.00120; 1000 Genomes Project 30x 0.00141.

Submissions (5):

Labcorp Genetics (formerly Invitae), Labcorp
Classification: Likely benign. Last evaluated: 2026-01-26. Review status: criteria provided, single submitter. Criteria: Invitae Variant Classification Sherloc (09022015). Collection method: clinical testing. Allele origin: germline.

Mayo Clinic Laboratories, Mayo Clinic
Classification: Likely benign. Last evaluated: 2025-06-09. Review status: criteria provided, single submitter. Criteria: ACMG Guidelines, 2015. Collection method: clinical testing. Allele origin: germline. Observed: 2 variant alleles.
Comment: BS1, BP4

Athena Diagnostics
Classification: Likely benign. Last evaluated: 2024-10-30. Review status: criteria provided, single submitter. Criteria: Athena Diagnostics Criteria. Collection method: clinical testing. Allele origin: unknown.

Blueprint Genetics
Classification: Benign. Last evaluated: 2024-06-05. Review status: criteria provided, single submitter. Criteria: ACMG Guidelines, 2015. Collection method: clinical testing. Allele origin: germline.

PreventionGenetics, part of Exact Sciences
Classification: Likely benign for FLVCR1-related condition. Last evaluated: 2024-08-27. Review status: no assertion criteria provided. Collection method: clinical testing. Allele origin: germline. Not counted in ClinVar's aggregate classification.
Comment: This variant is classified as likely benign based on ACMG/AMP sequence variant interpretation guidelines (Richards et al. 2015 PMID: 25741868, with internal and published modifications).

Literature cited by the submitters: PubMed 22584997 (cited by Mayo Clinic Laboratories, Mayo Clinic and Athena Diagnostics).